The following is an entry in ClinVar:

ClinVar aggregate classification (germline): Uncertain significance (1 of 4 stars; one submission).

Conditions:
Early-infantile DEE. Also called: Early infantile epileptic encephalopathy; Early infantile epileptic encephalopathy with suppression bursts; Ohtahara syndrome. Identifiers: Orphanet 1934, MedGen C0393706, MONDO:0800491.

Submission:

Labcorp Genetics (formerly Invitae), Labcorp
Classification: Uncertain significance for Early-infantile DEE. Last evaluated: 2022-03-04. Review status: criteria provided, single submitter. Criteria: Invitae Variant Classification Sherloc (09022015). Collection method: clinical testing. Allele origin: germline.
Comment: This variant has not been reported in the literature in individuals affected with KCNQ2-related conditions. In summary, the available evidence is currently insufficient to determine the role of this variant in disease. Therefore, it has been classified as a Variant of Uncertain Significance. Algorithms developed to predict the effect of sequence changes on RNA splicing suggest that this variant may disrupt the consensus splice site. Algorithms developed to predict the effect of missense changes on protein structure and function (SIFT, PolyPhen-2, Align-GVGD) all suggest that this variant is likely to be tolerated. This variant is not present in population databases (gnomAD no frequency). This sequence change replaces serine, which is neutral and polar, with glycine, which is neutral and non-polar, at codon 416 of the KCNQ2 protein (p.Ser416Gly).

NM_172107.4(KCNQ2):c.1246A>G (p.Ser416Gly)

Gene: KCNQ2 (potassium voltage-gated channel subfamily Q member 2; minus strand). Cytogenetic location: 20q13.33.
Variant type: single nucleotide variant.
Coding change: c.1246A>G on transcript NM_172107.4 (MANE Select); coding-DNA position 1246, A replaced by G.
Protein change: p.Ser416Gly; replaces serine 416 with glycine.
Molecular consequence: missense variant.
Genome position (GRCh38, 1-based): chr20:63,424,178, T>C on the plus strand (A>G on the coding strand, the complement: KCNQ2 is on the minus strand). VCF-style: chr20-63424178-T-C. GRCh37 (hg19) VCF-style: chr20-62055531-T-C.
Other names: c.1246A>G, p.Ser416Gly (NM_001382235.1, NM_172106.3, NM_172108.5); c.1216A>G, p.Ser406Gly (NM_004518.6); short protein forms S406G, S416G.
Identifiers: ClinVar variation 2106238 (VCV002106238.4), dbSNP rs2516278417, ClinGen allele CA409649175.